The following is an entry in ClinVar:

ClinVar aggregate classification (germline): Uncertain significance (1 of 4 stars; one submission).

gnomAD v4.1: 11 of 1,608,726 alleles (0.00068%); highest among the groups gnomAD compares: African/African-American, 0.015%; no homozygotes.

Submission:

Labcorp Genetics (formerly Invitae), Labcorp
Classification: Uncertain significance. Last evaluated: 2022-08-09. Review status: criteria provided, single submitter. Criteria: Invitae Variant Classification Sherloc (09022015). Collection method: clinical testing. Allele origin: germline.
Comment: This sequence change replaces glutamic acid, which is acidic and polar, with glutamine, which is neutral and polar, at codon 491 of the EYS protein (p.Glu491Gln). This variant is present in population databases (rs151187049, gnomAD 0.03%). This variant has not been reported in the literature in individuals affected with EYS-related conditions. ClinVar contains an entry for this variant (Variation ID: 1443081). Algorithms developed to predict the effect of missense changes on protein structure and function (SIFT, PolyPhen-2, Align-GVGD) all suggest that this variant is likely to be tolerated. In summary, the available evidence is currently insufficient to determine the role of this variant in disease. Therefore, it has been classified as a Variant of Uncertain Significance.

NM_001142800.2(EYS):c.1471G>C (p.Glu491Gln)

Gene: EYS (eyes shut homolog; minus strand). Cytogenetic location: 6q12.
Variant type: single nucleotide variant.
Coding change: c.1471G>C on transcript NM_001142800.2 (MANE Select); coding-DNA position 1471, G replaced by C.
Protein change: p.Glu491Gln; replaces glutamic acid 491 with glutamine.
Molecular consequence: missense variant.
Genome position (GRCh38, 1-based): chr6:65,344,166, C>G on the plus strand (G>C on the coding strand, the complement: EYS is on the minus strand). VCF-style: chr6-65344166-C-G. GRCh37 (hg19) VCF-style: chr6-66054059-C-G.
Other names: c.1471G>C, p.Glu491Gln (NM_001142801.2, NM_001292009.2, NM_198283.2); short protein forms E491Q.
Identifiers: ClinVar variation 1443081 (VCV001443081.5), dbSNP rs151187049, ClinGen allele CA3877724.